The following is an entry in ClinVar:

ClinVar aggregate classification (germline): Pathogenic (1 of 4 stars; one submission).

Submission:

CeGaT Center for Human Genetics Tuebingen
Classification: Pathogenic. Last evaluated: 2024-02-01. Review status: criteria provided, single submitter. Criteria: CeGaT Center For Human Genetics Tuebingen Variant Classification Criteria Version 2. Collection method: clinical testing. Allele origin: germline. Affected: yes. Observed: 1 variant allele.
Comment: SON: PVS1, PM2

NM_138927.4(SON):c.4445_4446del (p.His1482fs)

Gene: SON (SON DNA and RNA binding protein; plus strand). Cytogenetic location: 21q22.11.
Variant type: Deletion.
Coding change: c.4445_4446del on transcript NM_138927.4 (MANE Select); coding-DNA positions 4445 to 4446, 2 bases deleted (AT; older notation c.4445_4446delAT).
Protein change: p.His1482fs; shifts the reading frame from histidine 1482.
Molecular consequence: frameshift variant. On other transcripts: non-coding transcript variant (1), intron variant (1).
Genome position (GRCh38, 1-based): chr21:33,553,676-33,553,677, AT deleted. VCF-style (leftmost placement, unchanged base first): chr21-33553675-CAT-C. GRCh37 (hg19) VCF-style: chr21-34925981-CAT-C.
Other names: c.4445_4446del, p.His1482fs (NM_001291411.2, NM_032195.3); c.4445_4446delAT, p.His1482Argfs (NM_001412133.1, NM_058183.2, NM_138926.1); c.245-3480_245-3479del (NM_001291412.3); short protein forms H1482fs.
Identifiers: ClinVar variation 3027341 (VCV003027341.22), dbSNP rs2517381422, ClinGen allele CA2740094703.